The following is an entry in ClinVar:

NM_001127222.2(CACNA1A):c.826G>T (p.Glu276Ter)

Gene: CACNA1A (calcium voltage-gated channel subunit alpha1 A; minus strand). Cytogenetic location: 19p13.13.
Variant type: single nucleotide variant.
Coding change: c.826G>T on transcript NM_001127222.2 (MANE Select); coding-DNA position 826, G replaced by T.
Protein change: p.Glu276Ter; replaces glutamic acid 276 with a stop codon.
Molecular consequence: nonsense.
Genome position (GRCh38, 1-based): chr19:13,359,758, C>A on the plus strand (G>T on the coding strand, the complement: CACNA1A is on the minus strand). VCF-style: chr19-13359758-C-A. GRCh37 (hg19) VCF-style: chr19-13470572-C-A.
Other names: c.826G>T, p.Glu276Ter (NM_000068.4, NM_001127221.2, NM_001174080.2 and 1 more transcripts); short protein forms E276*.
Identifiers: ClinVar variation 1027687 (VCV001027687.5), dbSNP rs2059069286, ClinGen allele CA404347341.

ClinVar aggregate classification (germline): Pathogenic. Review status: criteria provided, multiple submitters, no conflicts (2 of 4 stars). 3 submissions from 3 submitters: Pathogenic (3). Last evaluated 2024-05-02.

Conditions:
Developmental and epileptic encephalopathy, 42 (DEE42A). Also called: DEVELOPMENTAL AND EPILEPTIC ENCEPHALOPATHY 42A; EPILEPTIC ENCEPHALOPATHY, EARLY INFANTILE, 42A; Epileptic encephalopathy, early infantile, 42. Identifiers: MedGen C4310716, MONDO:0014917, OMIM 617106.
Episodic ataxia type 2 (EA2). Also called: ACETAZOLAMIDE-RESPONSIVE HEREDITARY PAROXYSMAL CEREBELLAR ATAXIA; EPISODIC ATAXIA, NYSTAGMUS-ASSOCIATED; ATAXIA, EPISODIC, WITH NYSTAGMUS; ATAXIA, FAMILIAL PAROXYSMAL; CEREBELLAR ATAXIA, PAROXYSMAL, ACETAZOLAMIDE-RESPONSIVE; CEREBELLOPATHY, HEREDITARY PAROXYSMAL. Identifiers: Orphanet 97, MedGen C1720416, MONDO:0007163, OMIM 108500.
Spinocerebellar ataxia type 6 (SCA6). Identifiers: Orphanet 98758, MedGen C0752124, MONDO:0008457, OMIM 183086.

Submissions (3):

Labcorp Genetics (formerly Invitae), Labcorp
Classification: Pathogenic for Developmental and epileptic encephalopathy, 42; Episodic ataxia type 2. Last evaluated: 2024-05-02. Review status: criteria provided, single submitter. Criteria: Invitae Variant Classification Sherloc (09022015). Collection method: clinical testing. Allele origin: germline.
Comment: This sequence change creates a premature translational stop signal (p.Glu276*) in the CACNA1A gene. It is expected to result in an absent or disrupted protein product. Loss-of-function variants in CACNA1A are known to be pathogenic (PMID: 10371528, 19486177, 25735478, 27250579). This variant is not present in population databases (gnomAD no frequency). This variant has not been reported in the literature in individuals affected with CACNA1A-related conditions. ClinVar contains an entry for this variant (Variation ID: 1027687). For these reasons, this variant has been classified as Pathogenic.

GeneDx
Classification: Pathogenic. Last evaluated: 2022-04-18. Review status: criteria provided, single submitter. Criteria: GeneDx Variant Classification Process June 2021. Collection method: clinical testing. Allele origin: germline. Affected: yes.
Comment: Nonsense variant predicted to result in protein truncation or nonsense mediated decay in a gene for which loss of function is a known mechanism of disease; Not observed at significant frequency in large population cohorts (gnomAD); Has not been previously published as pathogenic or benign to our knowledge

Baylor Genetics
Classification: Pathogenic for Spinocerebellar ataxia type 6. Last evaluated: 2019-10-03. Review status: criteria provided, single submitter. Criteria: ACMG Guidelines, 2015. Collection method: clinical testing. Allele origin: unknown. Affected: yes.
Comment: This variant was determined to be pathogenic according to ACMG Guidelines, 2015 [PMID:25741868].

Literature cited by the submitters: PubMed 10371528 (cited by Labcorp Genetics (formerly Invitae), Labcorp); PubMed 19486177 (cited by Labcorp Genetics (formerly Invitae), Labcorp); PubMed 25735478 (cited by Labcorp Genetics (formerly Invitae), Labcorp); PubMed 27250579 (cited by Labcorp Genetics (formerly Invitae), Labcorp).